The following is an entry in ClinVar:

NM_002025.4(AFF2):c.1256T>C (p.Phe419Ser)

Gene: AFF2 (ALF transcription elongation factor 2; plus strand). Cytogenetic location: Xq28.
Variant type: single nucleotide variant.
Coding change: c.1256T>C on transcript NM_002025.4 (MANE Select); coding-DNA position 1256, T replaced by C.
Protein change: p.Phe419Ser; replaces phenylalanine 419 with serine.
Molecular consequence: missense variant. On other transcripts: intron variant (3).
Genome position (GRCh38, 1-based): chrX:148,843,427, T>C. VCF-style: chrX-148843427-T-C. GRCh37 (hg19) VCF-style: chrX-147924951-T-C.
Other names: c.1157T>C, p.Phe386Ser (NM_001169122.2); c.179T>C, p.Phe60Ser (NM_001170628.1); c.1157+12T>C (NM_001169124.2); c.1232+12T>C (NM_001169123.2); c.1145+12T>C (NM_001169125.2); short protein forms F386S, F419S, F60S.
Identifiers: ClinVar variation 2582030 (VCV002582030.2), dbSNP rs2521462731, ClinGen allele CA414511241.

ClinVar aggregate classification (germline): Uncertain significance (1 of 4 stars; one submission).

Submission:

GeneDx
Classification: Uncertain significance. Last evaluated: 2025-02-18. Review status: criteria provided, single submitter. Criteria: GeneDx Variant Classification Process June 2021. Collection method: clinical testing. Allele origin: germline. Affected: yes.
Comment: Not observed at significant frequency in large population cohorts (gnomAD); In silico analysis indicates that this missense variant does not alter protein structure/function; Has not been previously published as pathogenic or benign to our knowledge